The following is an entry in ClinVar:

NM_001370259.2(MEN1):c.1602_1618dup (p.Pro540fs)

Gene: MEN1 (menin 1; minus strand). Cytogenetic location: 11q13.1.
Variant type: Duplication.
Coding change: c.1602_1618dup on transcript NM_001370259.2 (MANE Select); coding-DNA positions 1602 to 1618, 17 bases duplicated (GGCTCAGGTGCCAGCAC).
Protein change: p.Pro540fs; shifts the reading frame from proline 540.
Molecular consequence: frameshift variant.
Genome position (GRCh38, 1-based): chr11:64,804,549-64,804,565, GTGCTGGCACCTGAGCC duplicated on the plus strand (GGCTCAGGTGCCAGCAC on the coding strand, the reverse complement: MEN1 is on the minus strand); duplicating any 17 consecutive bases within chr11:64,804,549-64,804,571 gives the same sequence; the c. name uses the placement nearest the transcript's 3' end. VCF-style (leftmost placement, unchanged base first): chr11-64804548-G-GGTGCTGGCACCTGAGCC. GRCh37 (hg19) VCF-style: chr11-64572020-G-GGTGCTGGCACCTGAGCC.
Other names: c.1617_1633dup, p.Pro545fs (NM_130801.3, NM_130802.3, NM_130803.3 and 3 more transcripts); c.1497_1513dup, p.Pro505fs (NM_001370262.2, NM_001370263.2); c.1602_1618dup, p.Pro540fs (NM_130799.3, NM_001370260.2, NM_001370261.2); c.1728_1744dup, p.Pro582fs (NM_001370251.2); c.1602_1618dupGGCTCAGGTGCCAGCAC (NM_130799.2); short protein forms P540fs, P505fs, P545fs, P582fs.
Identifiers: ClinVar variation 201022 (VCV000201022.2), dbSNP rs794728660, ClinGen allele CA306435.

ClinVar aggregate classification (germline): Pathogenic (1 of 4 stars; one submission).

Submission:

GeneDx
Classification: Pathogenic. Last evaluated: 2014-01-31. Review status: criteria provided, single submitter. Criteria: GeneDx Variant Classification (06012015). Collection method: clinical testing. Allele origin: germline. Affected: yes.
Comment: The c.1602_1618dupGGCTCAGGTGCCAGCAC mutation in the MEN1 gene has been reported previously in association with multiple endocrine neoplasia type 1 (Klein et al., 2005). The normal sequence with the bases that are inserted in braces is: GCAC{GGCTCAGGTGCCAGCAC}CCGC. The insertion causes a frameshift starting with codon Proline 540, changes this amino acid to an Arginine residue and creates a premature Stop codon at position 25 of the new reading frame, denoted p.Pro540ArgfsX25. This mutation is predicted to cause loss of normal protein function by causing the loss of the last 71 correct residues and replacing them with 24 incorrect residues. The variant is found in MEN1 panel(s).